The following is an entry in ClinVar:

ClinVar aggregate classification (germline): Pathogenic/Likely pathogenic. Review status: criteria provided, multiple submitters, no conflicts (2 of 4 stars). 7 submissions from 7 submitters: Pathogenic (4); Likely pathogenic (2). 1 of the submissions does not count toward it. Last evaluated 2025-09-27.

Conditions:
Fructose-biphosphatase deficiency (FBP1D). Also called: Fructose 1,6 Bisphosphatase Deficiency; Fructose-1,6-Bisphosphatase 1 Deficiency; Fructose-1,6-Diphosphatase Deficiency. Identifiers: Orphanet 348, MedGen C0016756, MONDO:0009251, OMIM 229700.

Allele frequency attached by ClinVar (database versions not stated): gnomAD 0.00001; TOPMed 0.00001; gnomAD exomes 0.00002; ExAC 0.00003.
gnomAD v4.1: 31 of 1,614,008 alleles (0.0019%); highest among the groups gnomAD compares: East Asian, 0.016%; no homozygotes.

Submissions (7):

Labcorp Genetics (formerly Invitae), Labcorp
Classification: Pathogenic for Fructose-biphosphatase deficiency. Last evaluated: 2025-09-27. Review status: criteria provided, single submitter. Criteria: Invitae Variant Classification Sherloc (09022015). Collection method: clinical testing. Allele origin: germline.
Comment: This sequence change replaces glycine, which is neutral and non-polar, with serine, which is neutral and polar, at codon 164 of the FBP1 protein (p.Gly164Ser). This variant is present in population databases (rs121918188, gnomAD 0.01%). This missense change has been observed in individual(s) with fructose-1,6-bisphosphatase deficiency (PMID: 9382095, 20096900, 25601412, 27101822). It has also been observed to segregate with disease in related individuals. ClinVar contains an entry for this variant (Variation ID: 868). Invitae Evidence Modeling of protein sequence and biophysical properties (such as structural, functional, and spatial information, amino acid conservation, physicochemical variation, residue mobility, and thermodynamic stability) indicates that this missense variant is expected to disrupt FBP1 protein function with a positive predictive value of 95%. Experimental studies have shown that this missense change affects FBP1 function (PMID: 9382095, 20096900). For these reasons, this variant has been classified as Pathogenic.

Women's Health and Genetics/Laboratory Corporation of America, LabCorp
Classification: Pathogenic for Fructose-biphosphatase deficiency. Last evaluated: 2024-07-10. Review status: criteria provided, single submitter. Criteria: LabCorp Variant Classification Summary - May 2015. Collection method: clinical testing. Allele origin: germline.
Comment: Variant summary: FBP1 c.490G>A (p.Gly164Ser) results in a non-conservative amino acid change located in the Fructose-1-6-bisphosphatase class I, N-terminal domain (IPR033391) of the encoded protein sequence. Five of five in-silico tools predict a damaging effect of the variant on protein function. The variant allele was found at a frequency of 2.4e-05 in 250320 control chromosomes. c.490G>A has been reported in the literature in multiple homozygous and compound heterozygous individuals affected with Fructose-biphosphatase deficiency (e.g. Moon_2011, Santer_2016, Li_2017). These data indicate that the variant is very likely to be associated with disease. At least one publication reports experimental evidence evaluating an impact on protein function and found the variant results in approximately 25% activity versus the wildtype protein (e.g. Moon_2011). The following publications have been ascertained in the context of this evaluation (PMID: 27101822, 20096900, 28420223). ClinVar contains an entry for this variant (Variation ID: 868). Based on the evidence outlined above, the variant was classified as pathogenic.

Department of Pathology and Laboratory Medicine, Sinai Health System
Classification: Likely pathogenic for Fructose-biphosphatase deficiency. Last evaluated: 2023-01-12. Review status: criteria provided, single submitter. Criteria: ACMG Guidelines, 2015. Collection method: research. Allele origin: germline.

Center for Molecular Medicine, Children’s Hospital of Fudan University
Classification: Likely pathogenic for Fructose-biphosphatase deficiency. Last evaluated: 2022-12-21. Review status: criteria provided, single submitter. Criteria: ACMG Guidelines, 2015. Collection method: clinical testing. Allele origin: biparental. Affected: yes. Observed: 1 variant allele, 1 homozygote.

Department of Medical Genetics, International Peace Maternity and Child Health Hospital, Shanghai Jiao Tong University School of Medicine
Classification: Pathogenic for Fructose-biphosphatase deficiency. Last evaluated: 2017-03-27. Review status: criteria provided, single submitter. Criteria: ACMG Guidelines, 2015. Collection method: clinical testing. Allele origin: germline. Inheritance: Autosomal recessive inheritance. Affected: yes. Observed: 1 variant allele, 1 compound heterozygote.

Juno Genomics, Hangzhou Juno Genomics, Inc
Classification: Pathogenic for Fructose-biphosphatase deficiency. Review status: criteria provided, single submitter. Criteria: ACMG Guidelines, 2015. Collection method: clinical testing. Allele origin: germline.
Comment: Absent from controls (or at extremely low frequency if recessive) in Genome Aggregation Database.;Multiple lines of computational evidence support a deleterious effect on the gene or gene product.;For recessive disorders, detected in trans with a pathogenic variant.;Patient's phenotype or family history is highly specific for a disease with a single genetic etiology.

OMIM
Classification: Pathogenic for FRUCTOSE-1,6-BISPHOSPHATASE DEFICIENCY. Last evaluated: 1997-10-01. Review status: no assertion criteria provided. Collection method: literature only. Allele origin: germline. Not counted in ClinVar's aggregate classification.

Literature cited by the submitters: PubMed 9382095 (cited by Labcorp Genetics (formerly Invitae), Labcorp and OMIM); PubMed 20096900 (cited by Labcorp Genetics (formerly Invitae), Labcorp and Women's Health and Genetics/Laboratory Corporation of America, LabCorp); PubMed 25601412 (cited by Labcorp Genetics (formerly Invitae), Labcorp); PubMed 27101822 (cited by Labcorp Genetics (formerly Invitae), Labcorp and Women's Health and Genetics/Laboratory Corporation of America, LabCorp); PubMed 28420223 (cited by Women's Health and Genetics/Laboratory Corporation of America, LabCorp).

NM_000507.4(FBP1):c.490G>A (p.Gly164Ser)

Gene: FBP1 (fructose-bisphosphatase 1; minus strand). Cytogenetic location: 9q22.32.
Variant type: single nucleotide variant.
Coding change: c.490G>A on transcript NM_000507.4 (MANE Select); coding-DNA position 490, G replaced by A.
Protein change: p.Gly164Ser; replaces glycine 164 with serine.
Molecular consequence: missense variant.
Genome position (GRCh38, 1-based): chr9:94,609,998, C>T on the plus strand (G>A on the coding strand, the complement: FBP1 is on the minus strand). VCF-style: chr9-94609998-C-T. GRCh37 (hg19) VCF-style: chr9-97372280-C-T.
Other names: c.490G>A, p.Gly164Ser (NM_001127628.2); short protein forms G164S.
Identifiers: ClinVar variation 868 (VCV000000868.19), dbSNP rs121918188, ClinGen allele CA114584.